The following is an entry in ClinVar:

NM_018668.5(VPS33B):c.1658-7C>T

Gene: VPS33B (VPS33B late endosome and lysosome associated; minus strand). Cytogenetic location: 15q26.1.
Variant type: single nucleotide variant.
Coding change: c.1658-7C>T on transcript NM_018668.5 (MANE Select); 7 bases into the intron before coding-DNA position 1658, C replaced by T.
Molecular consequence: intron variant.
Genome position (GRCh38, 1-based): chr15:90,999,800, G>A on the plus strand (C>T on the coding strand, the complement: VPS33B is on the minus strand). VCF-style: chr15-90999800-G-A. GRCh37 (hg19) VCF-style: chr15-91543030-G-A.
Other names: c.1577-7C>T (NM_001289148.1); c.1385-7C>T (NM_001289149.1).
Identifiers: ClinVar variation 289889 (VCV000289889.15), dbSNP rs375376103, ClinGen allele CA7744547.

ClinVar aggregate classification (germline): Conflicting classifications of pathogenicity. Review status: criteria provided, conflicting classifications (1 of 4 stars). 3 submissions from 3 submitters: Uncertain significance (1); Likely benign (1). 1 of the submissions does not count toward it. Last evaluated 2025-08-06.

Conditions:
VPS33B-related disorder. Also called: VPS33B-related condition.

Allele frequency attached by ClinVar (database versions not stated): gnomAD exomes 0.00002 and 0.00004; ExAC 0.00006; gnomAD 0.00021 and 0.00023; ESP Exome Variant Server 0.00023; TOPMed 0.00026; 1000 Genomes Project 30x 0.00031; 1000 Genomes Project 0.00040.
gnomAD v4.1: 61 of 1,614,082 alleles (0.0038%); highest among the groups gnomAD compares: African/African-American, 0.075%; 1 homozygote.

Submissions (3):

Labcorp Genetics (formerly Invitae), Labcorp
Classification: Likely benign. Last evaluated: 2025-08-06. Review status: criteria provided, single submitter. Criteria: Invitae Variant Classification Sherloc (09022015). Collection method: clinical testing. Allele origin: germline.

Eurofins Ntd Llc (ga)
Classification: Uncertain significance. Last evaluated: 2018-08-22. Review status: criteria provided, single submitter. Criteria: EGL ClinVar v180209 classification definitions. Collection method: clinical testing. Allele origin: germline. Observed: 2 variant alleles, 2 heterozygotes.

PreventionGenetics, part of Exact Sciences
Classification: Likely benign for VPS33B-related condition. Last evaluated: 2022-07-29. Review status: no assertion criteria provided. Collection method: clinical testing. Allele origin: germline. Not counted in ClinVar's aggregate classification.
Comment: This variant is classified as likely benign based on ACMG/AMP sequence variant interpretation guidelines (Richards et al. 2015 PMID: 25741868, with internal and published modifications).